The following is an entry in ClinVar:

NM_006565.4(CTCF):c.927G>A (p.Leu309=)

Gene: CTCF (CCCTC-binding factor; plus strand). Cytogenetic location: 16q22.1.
Variant type: single nucleotide variant.
Coding change: c.927G>A on transcript NM_006565.4 (MANE Select); coding-DNA position 927, G replaced by A.
Protein change: p.Leu309=; no amino-acid change (leucine 309 retained).
Molecular consequence: synonymous variant. On other transcripts: intron variant (1).
Genome position (GRCh38, 1-based): chr16:67,612,096, G>A. VCF-style: chr16-67612096-G-A. GRCh37 (hg19) VCF-style: chr16-67645999-G-A.
Other names: c.927G>A, p.Leu309= (NM_001363916.2); c.-32-4649G>A (NM_001191022.2).
Identifiers: ClinVar variation 2646630 (VCV002646630.24), dbSNP rs202192196, ClinGen allele CA283164673.

ClinVar aggregate classification (germline): Likely benign (1 of 4 stars; one submission).

Allele frequency attached by ClinVar (database versions not stated): gnomAD exomes below 0.00001.
gnomAD v4.1: 3 of 1,614,118 alleles (0.00019%); highest among the groups gnomAD compares: Middle Eastern, 0.016%; no homozygotes.

Submission:

CeGaT Center for Human Genetics Tuebingen
Classification: Likely benign. Last evaluated: 2023-01-01. Review status: criteria provided, single submitter. Criteria: CeGaT Center For Human Genetics Tuebingen Variant Classification Criteria Version 2. Collection method: clinical testing. Allele origin: germline. Affected: yes. Observed: 1 variant allele.
Comment: CTCF: PM2:Supporting, BP4, BP7